The following is an entry in ClinVar:

ClinVar aggregate classification (germline): Likely benign (0 of 4 stars; one submission).

Conditions:
HYAL2-related disorder. Also called: HYAL2-related condition.

Allele frequency attached by ClinVar (database versions not stated): gnomAD exomes 0.00014; ExAC 0.00053; gnomAD 0.00165; ESP Exome Variant Server 0.00192; TOPMed 0.00210; 1000 Genomes Project 30x 0.00219; 1000 Genomes Project 0.00220.

Submission:

PreventionGenetics, part of Exact Sciences
Classification: Likely benign for HYAL2-related condition. Last evaluated: 2019-04-01. Review status: no assertion criteria provided. Collection method: clinical testing. Allele origin: germline.
Comment: This variant is classified as likely benign based on ACMG/AMP sequence variant interpretation guidelines (Richards et al. 2015 PMID: 25741868, with internal and published modifications).

NM_003773.5(HYAL2):c.1164T>C (p.His388=)

Gene: HYAL2 (hyaluronidase 2; minus strand). Cytogenetic location: 3p21.31.
Variant type: single nucleotide variant.
Coding change: c.1164T>C on transcript NM_003773.5 (MANE Select); coding-DNA position 1164, T replaced by C.
Protein change: p.His388=; no amino-acid change (histidine 388 retained).
Molecular consequence: synonymous variant.
Genome position (GRCh38, 1-based): chr3:50,318,387, A>G on the plus strand (T>C on the coding strand, the complement: HYAL2 is on the minus strand). VCF-style: chr3-50318387-A-G. GRCh37 (hg19) VCF-style: chr3-50355818-A-G.
Other names: c.1164T>C, p.His388= (NM_033158.5).
Identifiers: ClinVar variation 3052597 (VCV003052597.2), dbSNP rs150004751, ClinGen allele CA2416104.